The following is an entry in ClinVar:

NM_005188.4(CBL):c.1534del (p.Ser512fs)

Gene: CBL (Cbl proto-oncogene; plus strand). Cytogenetic location: 11q23.3.
Variant type: Deletion.
Coding change: c.1534del on transcript NM_005188.4 (MANE Select); coding-DNA position 1534, one base deleted (A; older notation c.1534delA).
Protein change: p.Ser512fs; shifts the reading frame from serine 512.
Molecular consequence: frameshift variant.
Genome position (GRCh38, 1-based): chr11:119,285,071, A deleted; the last of 2 consecutive A bases (chr11:119,285,070-119,285,071); deleting either gives the same sequence. VCF-style (leftmost placement, unchanged base first): chr11-119285069-CA-C. GRCh37 (hg19) VCF-style: chr11-119155779-CA-C.
Other names: short protein forms S512fs.
Identifiers: ClinVar variation 2036537 (VCV002036537.4), dbSNP rs2496951693, ClinGen allele CA2580083642.
Genomic context (GRCh38, chr11:119,285,069, plus strand): 5'-CTTCCCTTCCCCCGGTGCCACCACGACTTGACCTTCTGCCGCAGCGAGTATGTGTTCCCT[CA>C]AGTGCTTCTGCTCTTGGAACTGCTTCTAAGGTAAAGCATTTTCCATTACTGCAGTTTTTG-3'

ClinVar aggregate classification (germline): Uncertain significance (1 of 4 stars; one submission).

Conditions:
RASopathy. Also called: Noonan spectrum disorder; rasopathies. Identifiers: Orphanet 536391, MedGen C5555857, MONDO:0021060.

Submission:

Labcorp Genetics (formerly Invitae), Labcorp
Classification: Uncertain significance for RASopathy. Last evaluated: 2021-12-07. Review status: criteria provided, single submitter. Criteria: Invitae Variant Classification Sherloc (09022015). Collection method: clinical testing. Allele origin: germline.
Comment: This sequence change creates a premature translational stop signal (p.Ser512Valfs*103) in the CBL gene. It is expected to result in an absent or disrupted protein product. However, the current clinical and genetic evidence is not sufficient to establish whether loss-of-function variants in CBL cause disease. This variant is not present in population databases (gnomAD no frequency). This variant has not been reported in the literature in individuals affected with CBL-related conditions. In summary, the available evidence is currently insufficient to determine the role of this variant in disease. Therefore, it has been classified as a Variant of Uncertain Significance.